The following is an entry in ClinVar:

NM_003072.5(SMARCA4):c.4006C>T (p.Arg1336Cys)

Gene: SMARCA4 (SWI/SNF related BAF chromatin remodeling complex subunit ATPase 4; plus strand). Cytogenetic location: 19p13.2.
Variant type: single nucleotide variant.
Coding change: c.4006C>T on transcript NM_003072.5 (MANE Select); coding-DNA position 4006, C replaced by T.
Protein change: p.Arg1336Cys; replaces arginine 1336 with cysteine.
Molecular consequence: missense variant. On other transcripts: non-coding transcript variant (1).
Genome position (GRCh38, 1-based): chr19:11,034,968, C>T. VCF-style: chr19-11034968-C-T. GRCh37 (hg19) VCF-style: chr19-11145644-C-T.
Other names: c.4006C>T, p.Arg1336Cys (NM_001128844.3, NM_001128849.3, NM_001387283.1); c.3907C>T, p.Arg1303Cys (NM_001128845.2, NM_001128846.2, NM_001128847.4 and 2 more transcripts); short protein forms R1336C, R1303C.
Identifiers: ClinVar variation 480627 (VCV000480627.7), dbSNP rs1555785374, ClinGen allele CA404068098.

ClinVar aggregate classification (germline): Uncertain significance. Review status: criteria provided, multiple submitters, no conflicts (2 of 4 stars). 2 submissions from 2 submitters: Uncertain significance (2). Last evaluated 2025-02-03.

Conditions:
Hereditary cancer-predisposing syndrome. Also called: Hereditary Cancer Syndrome; Neoplastic Syndromes, Hereditary; Tumor predisposition; Hereditary neoplastic syndrome. Identifiers: Orphanet 140162, MedGen C0027672, MeSH D009386, MONDO:0015356.
Rhabdoid tumor predisposition syndrome 2 (RTPS2). Identifiers: Orphanet 231108, Orphanet 69077, MedGen C2750074, MONDO:0013224, OMIM 613325.

Submissions (2):

Labcorp Genetics (formerly Invitae), Labcorp
Classification: Uncertain significance for Rhabdoid tumor predisposition syndrome 2. Last evaluated: 2025-02-03. Review status: criteria provided, single submitter. Criteria: Invitae Variant Classification Sherloc (09022015). Collection method: clinical testing. Allele origin: germline.
Comment: This sequence change replaces arginine, which is basic and polar, with cysteine, which is neutral and slightly polar, at codon 1336 of the SMARCA4 protein (p.Arg1336Cys). This variant is not present in population databases (gnomAD no frequency). This missense change has been observed in individual(s) with SMARCA4-related conditions (PMID: 37500730). ClinVar contains an entry for this variant (Variation ID: 480627). Invitae Evidence Modeling of protein sequence and biophysical properties (such as structural, functional, and spatial information, amino acid conservation, physicochemical variation, residue mobility, and thermodynamic stability) indicates that this missense variant is expected to disrupt SMARCA4 protein function with a positive predictive value of 95%. In summary, the available evidence is currently insufficient to determine the role of this variant in disease. Therefore, it has been classified as a Variant of Uncertain Significance.

Ambry Genetics
Classification: Uncertain significance for Hereditary cancer-predisposing syndrome. Last evaluated: 2016-05-03. Review status: criteria provided, single submitter. Criteria: Ambry Variant Classification Scheme 2023. Collection method: clinical testing. Allele origin: germline.
Comment: The p.R1336C variant (also known as c.4006C>T), located in coding exon 28 of the SMARCA4 gene, results from a C to T substitution at nucleotide position 4006. The arginine at codon 1336 is replaced by cysteine, an amino acid with highly dissimilar properties.This amino acid position is highly conserved in available vertebrate species. In addition, this alteration is predicted to be deleterious by in silico analysis. Since supporting evidence is limited at this time, the clinical significance of this alteration remains unclear.

Literature cited by the submitters: PubMed 37500730 (cited by Labcorp Genetics (formerly Invitae), Labcorp).